The following is an entry in ClinVar:

ClinVar aggregate classification (germline): Uncertain significance. Review status: criteria provided, single submitter (1 of 4 stars). 2 submissions from 2 submitters: Uncertain significance (1). 1 of the submissions does not count toward it. Last evaluated 2024-10-28.

Conditions:
NRIP1-related disorder. Also called: NRIP1-related condition.

Allele frequency attached by ClinVar (database versions not stated): ExAC 0.00012; 1000 Genomes Project 30x 0.00016; 1000 Genomes Project 0.00020; gnomAD exomes 0.00020; ESP Exome Variant Server 0.00023; gnomAD 0.00033; TOPMed 0.00037.
gnomAD v4.1: 347 of 1,614,174 alleles (0.021%); highest among the groups gnomAD compares: African/African-American, 0.11%; no homozygotes.

Submissions (2):

Labcorp Genetics (formerly Invitae), Labcorp
Classification: Uncertain significance. Last evaluated: 2024-10-28. Review status: criteria provided, single submitter. Criteria: Invitae Variant Classification Sherloc (09022015). Collection method: clinical testing. Allele origin: germline.
Comment: This sequence change replaces glutamic acid, which is acidic and polar, with glycine, which is neutral and non-polar, at codon 514 of the NRIP1 protein (p.Glu514Gly). This variant is present in population databases (rs147779762, gnomAD 0.09%), and has an allele count higher than expected for a pathogenic variant. This variant has not been reported in the literature in individuals affected with NRIP1-related conditions. An algorithm developed to predict the effect of missense changes on protein structure and function outputs the following: PolyPhen-2: "Benign". The glycine amino acid residue is found in multiple mammalian species, which suggests that this missense change does not adversely affect protein function. In summary, the available evidence is currently insufficient to determine the role of this variant in disease. Therefore, it has been classified as a Variant of Uncertain Significance.

PreventionGenetics, part of Exact Sciences
Classification: Likely benign for NRIP1-related condition. Last evaluated: 2022-09-16. Review status: no assertion criteria provided. Collection method: clinical testing. Allele origin: germline. Not counted in ClinVar's aggregate classification.
Comment: This variant is classified as likely benign based on ACMG/AMP sequence variant interpretation guidelines (Richards et al. 2015 PMID: 25741868, with internal and published modifications).

NM_003489.4(NRIP1):c.1541A>G (p.Glu514Gly)

Gene: NRIP1 (nuclear receptor interacting protein 1; minus strand). Cytogenetic location: 21q11.2.
Variant type: single nucleotide variant.
Coding change: c.1541A>G on transcript NM_003489.4 (MANE Select); coding-DNA position 1541, A replaced by G.
Protein change: p.Glu514Gly; replaces glutamic acid 514 with glycine.
Molecular consequence: missense variant.
Genome position (GRCh38, 1-based): chr21:14,966,652, T>C on the plus strand (A>G on the coding strand, the complement: NRIP1 is on the minus strand). VCF-style: chr21-14966652-T-C. GRCh37 (hg19) VCF-style: chr21-16338973-T-C.
Other names: short protein forms E514G.
Identifiers: ClinVar variation 3051121 (VCV003051121.4), dbSNP rs147779762, ClinGen allele CA9981321.
Genomic context (GRCh38, chr21:14,966,652, plus strand): 5'-TAATTTTGTGTATTGAACTTGCTCACATCATTGTGTACTCCCTGAGGGCTGGTGTTTTTT[T>C]CTACATTTTCTTCATTCTTATGGCCAAGTAGCAATTGAAGAAGTGTTACTTTCTGGTGTG-3'
Protein context (NP_003480.2, residues 504-524): LLGHKNEENV[Glu514Gly]KNTSPQGVHN